The following is an entry in ClinVar:

NM_000155.4(GALT):c.469G>A (p.Val157Ile)

Gene: GALT (galactose-1-phosphate uridylyltransferase; plus strand). Cytogenetic location: 9p13.3.
Variant type: single nucleotide variant.
Coding change: c.469G>A on transcript NM_000155.4 (MANE Select); coding-DNA position 469, G replaced by A.
Protein change: p.Val157Ile; replaces valine 157 with isoleucine.
Molecular consequence: missense variant.
Genome position (GRCh38, 1-based): chr9:34,647,923, G>A. VCF-style: chr9-34647923-G-A. GRCh37 (hg19) VCF-style: chr9-34647920-G-A.
Other names: c.142G>A, p.Val48Ile (NM_001258332.2); c.469G>A (NM_000155.3); short protein forms V157I, V48I.
Identifiers: ClinVar variation 1163027 (VCV001163027.9), dbSNP rs1173928130, ClinGen allele CA373280970.

ClinVar aggregate classification (germline): Uncertain significance. Review status: criteria provided, multiple submitters, no conflicts (2 of 4 stars). 3 submissions from 3 submitters: Uncertain significance (3). Last evaluated 2024-09-27.

Conditions:
Deficiency of UDPglucose-hexose-1-phosphate uridylyltransferase. Also called: GALT deficiency; Galactosemia, classic; GALACTOSE-1-PHOSPHATE URIDYLYLTRANSFERASE DEFICIENCY; Transferase Deficiency Galactosemia; GALACTOSEMIA I. Identifiers: Orphanet 352, Orphanet 79239, MedGen C0268151, MONDO:0009258, OMIM 230400.

Allele frequency attached by ClinVar (database versions not stated): gnomAD exomes below 0.00001 and 0.00001.

Submissions (3):

Labcorp Genetics (formerly Invitae), Labcorp
Classification: Uncertain significance for Deficiency of UDPglucose-hexose-1-phosphate uridylyltransferase. Last evaluated: 2024-09-27. Review status: criteria provided, single submitter. Criteria: Invitae Variant Classification Sherloc (09022015). Collection method: clinical testing. Allele origin: germline.
Comment: This sequence change replaces valine, which is neutral and non-polar, with isoleucine, which is neutral and non-polar, at codon 157 of the GALT protein (p.Val157Ile). This variant is present in population databases (no rsID available, gnomAD 0.006%). This missense change has been observed in individual(s) with classic galactosemia (PMID: 22743281). ClinVar contains an entry for this variant (Variation ID: 1163027). Invitae Evidence Modeling of protein sequence and biophysical properties (such as structural, functional, and spatial information, amino acid conservation, physicochemical variation, residue mobility, and thermodynamic stability) indicates that this missense variant is expected to disrupt GALT protein function with a positive predictive value of 95%. In summary, the available evidence is currently insufficient to determine the role of this variant in disease. Therefore, it has been classified as a Variant of Uncertain Significance.

Women's Health and Genetics/Laboratory Corporation of America, LabCorp
Classification: Uncertain significance. Last evaluated: 2022-08-08. Review status: criteria provided, single submitter. Criteria: LabCorp Variant Classification Summary - May 2015. Collection method: clinical testing. Allele origin: germline.
Comment: Variant summary: GALT c.469G>A (p.Val157Ile) results in a conservative amino acid change located in the galactose-1-phosphate uridyl transferase, N-terminal domain (IPR005849) of the encoded protein sequence. Three of five in-silico tools predict a benign effect of the variant on protein function. The variant allele was found at a frequency of 8e-06 in 251482 control chromosomes (gnomAD). The available data on variant occurrences in the general population are insufficient to allow any conclusion about variant significance. c.469G>A has been reported in the literature in at least one individual affected with Galactosemia (e.g. Liu_2012). These data do not allow any conclusion about variant significance. To our knowledge, no experimental evidence demonstrating an impact on protein function has been reported. One submitter has provided an assessment for this variant to ClinVar after 2014 and classified the variant as uncertain significance. Based on the evidence outlined above, the variant was classified as uncertain significance.

Mayo Clinic Laboratories, Mayo Clinic
Classification: Uncertain significance. Last evaluated: 2021-03-23. Review status: criteria provided, single submitter. Criteria: ACMG Guidelines, 2015. Collection method: clinical testing. Allele origin: germline.

Literature cited by the submitters: PubMed 22743281 (cited by Labcorp Genetics (formerly Invitae), Labcorp and Women's Health and Genetics/Laboratory Corporation of America, LabCorp).